The following is an entry in ClinVar:

NM_001001824.2(OR2T27):c.147C>A (p.Ile49=)

Gene: OR2T27 (olfactory receptor family 2 subfamily T member 27; minus strand). Cytogenetic location: 1q44.
Variant type: single nucleotide variant.
Coding change: c.147C>A on transcript NM_001001824.2 (MANE Select); coding-DNA position 147, C replaced by A.
Protein change: p.Ile49=; no amino-acid change (isoleucine 49 retained).
Molecular consequence: synonymous variant.
Genome position (GRCh38, 1-based): chr1:248,650,738, G>T on the plus strand (C>A on the coding strand, the complement: OR2T27 is on the minus strand). VCF-style: chr1-248650738-G-T. GRCh37 (hg19) VCF-style: chr1-248814039-G-T.
Other names: c.147C>A, p.Ile49= (NM_001386060.1).
Identifiers: ClinVar variation 4085026 (VCV004085026.8).

ClinVar aggregate classification (germline): Likely benign (1 of 4 stars; one submission).

Submission:

CeGaT Center for Human Genetics Tuebingen
Classification: Likely benign. Last evaluated: 2025-06-01. Review status: criteria provided, single submitter. Criteria: CeGaT Center For Human Genetics Tuebingen Variant Classification Criteria Version 2. Collection method: clinical testing. Allele origin: germline. Affected: yes. Observed: 1 variant allele.
Comment: OR2T27: BP4, BP7